The following is an entry in ClinVar:

NM_178335.3(CCDC50):c.698C>A (p.Pro233His)

Gene: CCDC50 (coiled-coil domain containing 50; plus strand). Cytogenetic location: 3q28.
Variant type: single nucleotide variant.
Coding change: c.698C>A on transcript NM_178335.3 (MANE Select); coding-DNA position 698, C replaced by A.
Protein change: p.Pro233His; replaces proline 233 with histidine.
Molecular consequence: missense variant. On other transcripts: intron variant (1).
Genome position (GRCh38, 1-based): chr3:191,375,311, C>A. VCF-style: chr3-191375311-C-A. GRCh37 (hg19) VCF-style: chr3-191093100-C-A.
Other names: c.449-4848C>A (NM_174908.4); short protein forms P233H.
Identifiers: ClinVar variation 2172305 (VCV002172305.4), dbSNP rs142679286, ClinGen allele CA2755309.

ClinVar aggregate classification (germline): Uncertain significance (1 of 4 stars; one submission).

Allele frequency attached by ClinVar (database versions not stated): gnomAD exomes below 0.00001; ExAC 0.00002; gnomAD 0.00007; ESP Exome Variant Server 0.00008.
gnomAD v4.1: 16 of 1,613,614 alleles (0.00099%); highest among the groups gnomAD compares: African/African-American, 0.021%; no homozygotes.

Submission:

Labcorp Genetics (formerly Invitae), Labcorp
Classification: Uncertain significance. Last evaluated: 2022-07-23. Review status: criteria provided, single submitter. Criteria: Invitae Variant Classification Sherloc (09022015). Collection method: clinical testing. Allele origin: germline.
Comment: This variant has not been reported in the literature in individuals affected with CCDC50-related conditions. This variant is present in population databases (rs142679286, gnomAD 0.02%). This sequence change replaces proline, which is neutral and non-polar, with histidine, which is basic and polar, at codon 233 of the CCDC50 protein (p.Pro233His). Algorithms developed to predict the effect of missense changes on protein structure and function are either unavailable or do not agree on the potential impact of this missense change (SIFT: "Deleterious"; PolyPhen-2: "Benign"; Align-GVGD: "Class C0"). In summary, the available evidence is currently insufficient to determine the role of this variant in disease. Therefore, it has been classified as a Variant of Uncertain Significance.